The following is an entry in ClinVar:

ClinVar aggregate classification (germline): Likely benign. Review status: criteria provided, multiple submitters, no conflicts (2 of 4 stars). 2 submissions from 2 submitters: Likely benign (2). Last evaluated 2025-03-04.

Conditions:
Seizures, benign familial infantile, 3 (BFIS3). Also called: CONVULSIONS, BENIGN FAMILIAL INFANTILE, 3; Familial neonatal seizures. Identifiers: Orphanet 140927, Orphanet 306, MedGen C1843140, MONDO:0011904, OMIM 607745.
Developmental and epileptic encephalopathy, 11 (DEE11). Also called: Early infantile epileptic encephalopathy 11. Identifiers: Orphanet 1934, MedGen C3150987, MONDO:0013388, OMIM 613721.

Allele frequency attached by ClinVar (database versions not stated): gnomAD exomes 0.00005 and 0.00002; ExAC 0.00002; TOPMed 0.00002; gnomAD 0.00004.
gnomAD v4.1: 82 of 1,613,862 alleles (0.0051%); highest among the groups gnomAD compares: Non-Finnish European, 0.0068%; no homozygotes.

Submissions (2):

Labcorp Genetics (formerly Invitae), Labcorp
Classification: Likely benign for Seizures, benign familial infantile, 3; Developmental and epileptic encephalopathy, 11. Last evaluated: 2025-03-04. Review status: criteria provided, single submitter. Criteria: Invitae Variant Classification Sherloc (09022015). Collection method: clinical testing. Allele origin: germline.

CeGaT Center for Human Genetics Tuebingen
Classification: Likely benign. Last evaluated: 2023-09-01. Review status: criteria provided, single submitter. Criteria: CeGaT Center For Human Genetics Tuebingen Variant Classification Criteria Version 2. Collection method: clinical testing. Allele origin: germline. Affected: yes. Observed: 2 variant alleles.
Comment: SCN2A: BP4, BP7

NM_001040142.2(SCN2A):c.3348T>C (p.Asn1116=)

Gene: SCN2A (sodium voltage-gated channel alpha subunit 2; plus strand). Cytogenetic location: 2q24.3.
Variant type: single nucleotide variant.
Coding change: c.3348T>C on transcript NM_001040142.2 (MANE Select); coding-DNA position 3348, T replaced by C.
Protein change: p.Asn1116=; no amino-acid change (asparagine 1116 retained).
Molecular consequence: synonymous variant.
Genome position (GRCh38, 1-based): chr2:165,354,620, T>C. VCF-style: chr2-165354620-T-C. GRCh37 (hg19) VCF-style: chr2-166211130-T-C.
Other names: c.3348T>C, p.Asn1116= (NM_001040143.2, NM_001371246.1, NM_001371247.1 and 1 more transcripts).
Identifiers: ClinVar variation 916177 (VCV000916177.45), dbSNP rs781717883, ClinGen allele CA1940083.